The following is an entry in ClinVar:

ClinVar aggregate classification (germline): Uncertain significance (1 of 4 stars; one submission).

Submission:

GeneDx
Classification: Uncertain significance. Last evaluated: 2024-12-03. Review status: criteria provided, single submitter. Criteria: GeneDx Variant Classification Process June 2021. Collection method: clinical testing. Allele origin: germline. Affected: yes.
Comment: Not observed at significant frequency in large population cohorts (gnomAD); In silico analysis supports that this missense variant has a deleterious effect on protein structure/function; Has not been previously published as pathogenic or benign to our knowledge

NM_006421.5(ARFGEF1):c.5294T>C (p.Phe1765Ser)

Gene: ARFGEF1 (ARF guanine nucleotide exchange factor 1; minus strand). Cytogenetic location: 8q13.2.
Variant type: single nucleotide variant.
Coding change: c.5294T>C on transcript NM_006421.5 (MANE Select); coding-DNA position 5294, T replaced by C.
Protein change: p.Phe1765Ser; replaces phenylalanine 1765 with serine.
Molecular consequence: missense variant. On other transcripts: non-coding transcript variant (1).
Genome position (GRCh38, 1-based): chr8:67,200,487, A>G on the plus strand (T>C on the coding strand, the complement: ARFGEF1 is on the minus strand). VCF-style: chr8-67200487-A-G. GRCh37 (hg19) VCF-style: chr8-68112722-A-G.
Other names: c.5294T>C, p.Phe1765Ser (NM_001413184.1, NM_001413187.1, NM_001413194.1); c.5276T>C, p.Phe1759Ser (NM_001413185.1, NM_001413186.1, NM_001413189.1); c.4694T>C, p.Phe1565Ser (NM_001413188.1, NM_001413197.1); c.5288T>C, p.Phe1763Ser (NM_001413190.1); c.5198T>C, p.Phe1733Ser (NM_001413191.1); c.5180T>C, p.Phe1727Ser (NM_001413192.1); c.4676T>C, p.Phe1559Ser (NM_001413193.1); c.3869T>C, p.Phe1290Ser (NM_001413196.1); short protein forms F1290S, F1559S, F1565S, F1727S, F1733S, F1759S, F1763S, F1765S.
Identifiers: ClinVar variation 3901828 (VCV003901828.1).